The following is an entry in ClinVar:

NM_012186.3(FOXE3):c.-10G>A

Genes: FOXE3 (forkhead box E3; plus strand), LINC01389 (long intergenic non-protein coding RNA 1389; minus strand). Cytogenetic location: 1p33.
Variant type: single nucleotide variant.
Coding change: c.-10G>A on transcript NM_012186.3 (MANE Select); 10 bases upstream of the start codon, G replaced by A.
Molecular consequence: 5 prime UTR variant.
Genome position (GRCh38, 1-based): chr1:47,416,306, G>A. VCF-style: chr1-47416306-G-A. GRCh37 (hg19) VCF-style: chr1-47881978-G-A.
Identifiers: ClinVar variation 3048075 (VCV003048075.2), dbSNP rs12760137, ClinGen allele CA22068267.
Genomic context (GRCh38, chr1:47,416,306, plus strand): 5'-CGTGTCCATATAAAGCGGGTCGGCGGCCCCTGCGGTCCCGGAGCCGCGCGGGCAGGGGCT[G>A]CCGCAGCCGATGGCGGGGCGCAGCGACATGGATCCGCCCGCCGCGTTCTCTGGCTTCCCT-3'

ClinVar aggregate classification (germline): Likely benign (0 of 4 stars; one submission).

Conditions:
FOXE3-related disorder. Also called: FOXE3-related condition.

Allele frequency attached by ClinVar (database versions not stated): TOPMed 0.00002; gnomAD 0.00003; gnomAD exomes 0.00004.

Submission:

PreventionGenetics, part of Exact Sciences
Classification: Likely benign for FOXE3-related condition. Last evaluated: 2021-07-03. Review status: no assertion criteria provided. Collection method: clinical testing. Allele origin: germline.
Comment: This variant is classified as likely benign based on ACMG/AMP sequence variant interpretation guidelines (Richards et al. 2015 PMID: 25741868, with internal and published modifications).